The following is an entry in ClinVar:

ClinVar aggregate classification (germline): Pathogenic/Likely pathogenic. Review status: criteria provided, multiple submitters, no conflicts (2 of 4 stars). 4 submissions from 4 submitters: Pathogenic (1); Likely pathogenic (2). 1 of the submissions does not count toward it. Last evaluated 2025-08-04.

Conditions:
Inborn genetic diseases. Identifiers: MedGen C0950123, MeSH D030342.
Global developmental delay (DD). Also called: Cognitive delay. Identifiers: MedGen C0557874, HP:0001263. Disease mechanism: loss of function.
Seizure. Also called: Seizures. Identifiers: MedGen C0036572, HP:0001250.
Phelan-McDermid syndrome. Also called: Phelan-McDermid Syndrome-SHANK3 Related; TELOMERIC 22q13 MONOSOMY SYNDROME; 22q13.3 deletion syndrome. Identifiers: Orphanet 48652, MedGen C1853490, MONDO:0011652, OMIM 606232.

Submissions (4):

Variantyx, Inc.
Classification: Likely pathogenic for Phelan-McDermid syndrome. Last evaluated: 2025-08-04. Review status: criteria provided, single submitter. Criteria: Variantyx Assertion Criteria 2022. Collection method: clinical testing. Allele origin: germline. Inheritance: Autosomal dominant inheritance. Affected: yes.
Comment: This is a nonsense variant in the SHANK3 gene (OMIM: 606230). Pathogenic variants in this gene have been associated with autosomal dominant Phelan-McDermid syndrome. This variant introduces a premature termination codon in exon 5 out of 25 and is expected to result in loss of function, which is a known disease mechanism for SHANK3 in this disorder (PMID: 23758743, 30537371) (PVS1). This variant is absent from control populations (PM2). Inheritance from an unaffected or mildly affected parent has been reported, consistent with incomplete penetrance and variable expressivity (PMID: 29263841). Based on the current evidence, this variant is classified as likely pathogenic for autosomal dominant Phelan-McDermid syndrome.

GeneDx
Classification: Likely pathogenic. Last evaluated: 2024-06-07. Review status: criteria provided, single submitter. Criteria: GeneDx Variant Classification Process June 2021. Collection method: clinical testing. Allele origin: germline. Affected: yes.
Comment: Identified in an individual with a neurological and developmental disorder, but familial segregation information and additional clinical information were not included (PMID: 32581362); Not observed at significant frequency in large population cohorts (gnomAD); Loss-of-function variant in the 5' region of the gene where loss-of-function has not been definitively established as a disease mechanism (PMID: 28179641); This variant is associated with the following publications: (PMID: 32581362)

Ambry Genetics
Classification: Pathogenic for Inborn genetic diseases. Last evaluated: 2016-08-18. Review status: criteria provided, single submitter. Criteria: Ambry Variant Classification Scheme 2023. Collection method: clinical testing. Allele origin: germline.
Comment: The p.R91* pathogenic mutation (also known as c.271C>T), located in coding exon 3 of the SHANK3 gene, results from a C to T substitution at nucleotide position 271. This changes the amino acid from an arginine to a stop codon within coding exon 3. This alteration is expected to result in loss of function by premature protein truncation or nonsense-mediated mRNA decay. As such, this alteration is interpreted as a disease-causing mutation.

NIHR Bioresource Rare Diseases, University of Cambridge
Classification: Likely pathogenic for Seizure; Global developmental delay. Review status: no assertion criteria provided. Collection method: research. Allele origin: unknown. Affected: yes. Observed: 1 variant allele. Not counted in ClinVar's aggregate classification.

Literature cited by the submitters: PubMed 23758743 (cited by Variantyx, Inc.); PubMed 30537371 (cited by Variantyx, Inc.); PubMed 32581362 (cited by NIHR Bioresource Rare Diseases, University of Cambridge).

NM_001372044.2(SHANK3):c.496C>T (p.Arg166Ter)

Gene: SHANK3 (SH3 and multiple ankyrin repeat domains 3; plus strand). Cytogenetic location: 22q13.33.
Variant type: single nucleotide variant.
Coding change: c.496C>T on transcript NM_001372044.2 (MANE Select); coding-DNA position 496, C replaced by T.
Protein change: p.Arg166Ter; replaces arginine 166 with a stop codon.
Molecular consequence: nonsense.
Genome position (GRCh38, 1-based): chr22:50,676,625, C>T. VCF-style: chr22-50676625-C-T. GRCh37 (hg19) VCF-style: chr22-51115053-C-T.
Other names: c.271C>T, p.Arg91Ter (NM_033517.1); short protein forms R91*, R166*.
Identifiers: ClinVar variation 587762 (VCV000587762.10), dbSNP rs1569097392, ClinGen allele CA515251897.
Genomic context (GRCh38, chr22:50,676,625, plus strand): 5'-ACTCACTTGCTCAGCCGGGGTGGGGGCATTTTCTCTACCTTTTCTTTATCTGAGCAGTTT[C>T]GATACAAGCGGCGAGTTTATGCCCAGAACCTCATCGATGATAAGCAGTTTGCAAAGCTTC-3'